The following is an entry in ClinVar:

NM_015046.7(SETX):c.7735G>A (p.Val2579Ile)

Gene: SETX (senataxin; minus strand). Cytogenetic location: 9q34.13.
Variant type: single nucleotide variant.
Coding change: c.7735G>A on transcript NM_015046.7 (MANE Select); coding-DNA position 7735, G replaced by A.
Protein change: p.Val2579Ile; replaces valine 2579 with isoleucine.
Molecular consequence: missense variant.
Genome position (GRCh38, 1-based): chr9:132,264,538, C>T on the plus strand (G>A on the coding strand, the complement: SETX is on the minus strand). VCF-style: chr9-132264538-C-T. GRCh37 (hg19) VCF-style: chr9-135139925-C-T.
Other names: c.7735G>A, p.Val2579Ile (NM_001351527.2); c.7822G>A, p.Val2608Ile (NM_001351528.2); c.7735G>A (NM_015046.6); short protein forms V2579I, V2608I.
Identifiers: ClinVar variation 365341 (VCV000365341.24), dbSNP rs144121978, ClinGen allele CA5296343.

ClinVar aggregate classification (germline): Conflicting classifications of pathogenicity. Review status: criteria provided, conflicting classifications (1 of 4 stars). 9 submissions from 8 submitters: Uncertain significance (7); Benign (1). 1 of the submissions does not count toward it. Last evaluated 2026-03-24.

Conditions:
Inborn genetic diseases. Identifiers: MedGen C0950123, MeSH D030342.
Spinocerebellar ataxia, autosomal recessive, with axonal neuropathy 2 (SCAN2). Also called: Ataxia-ocular apraxia-2; Ataxia with Oculomotor Apraxia; ATAXIA-OCULOMOTOR APRAXIA 2; Ataxia with Oculomotor Apraxia Type 2. Identifiers: Orphanet 64753, MedGen C1853761, MONDO:0018996, OMIM 606002.
Amyotrophic lateral sclerosis type 4 (ALS4). Also called: AMYOTROPHIC LATERAL SCLEROSIS 4, JUVENILE; NEURONOPATHY, DISTAL HEREDITARY MOTOR, WITH PYRAMIDAL FEATURES. Identifiers: Orphanet 357043, MedGen C1865409, MONDO:0011223, OMIM 602433.
SETX-related disorder. Also called: SETX-related condition; SETX-related disorders. Identifiers: MedGen CN239403.

Allele frequency attached by ClinVar (database versions not stated): TOPMed 0.00009.
gnomAD v4.1: 128 of 1,613,874 alleles (0.0079%); highest among the groups gnomAD compares: Non-Finnish European, 0.01%; no homozygotes.

Submissions (9):

Women's Health and Genetics/Laboratory Corporation of America, LabCorp
Classification: Uncertain significance. Last evaluated: 2026-03-24. Review status: criteria provided, single submitter. Criteria: LabCorp Variant Classification Summary - May 2015. Collection method: clinical testing. Allele origin: germline.
Comment: Variant summary: SETX c.7735G>A (p.Val2579Ile) results in a conservative amino acid change in the encoded protein sequence. Algorithms developed to predict the effect of missense changes on protein structure and function all suggest that this variant is likely to be tolerated. The variant allele was found at a frequency of 6e-05 in 251368 control chromosomes. This frequency is not significantly higher than estimated for disease-causing variants in SETX, allowing no conclusion about variant significance. To our knowledge, no occurrence of c.7735G>A in individuals affected with SETX-related conditions and no experimental evidence demonstrating its impact on protein function have been reported. ClinVar contains an entry for this variant (Variation ID: 365341). Based on the evidence outlined above, the variant was classified as uncertain significance.

Labcorp Genetics (formerly Invitae), Labcorp
Classification: Benign for Amyotrophic lateral sclerosis type 4; Spinocerebellar ataxia, autosomal recessive, with axonal neuropathy 2. Last evaluated: 2025-12-25. Review status: criteria provided, single submitter. Criteria: Invitae Variant Classification Sherloc (09022015). Collection method: clinical testing. Allele origin: germline.

GeneDx
Classification: Uncertain significance. Last evaluated: 2025-02-21. Review status: criteria provided, single submitter. Criteria: GeneDx Variant Classification Process June 2021. Collection method: clinical testing. Allele origin: germline. Affected: yes.
Comment: In silico analysis indicates that this missense variant does not alter protein structure/function; Has not been previously published as pathogenic or benign to our knowledge

Athena Diagnostics
Classification: Uncertain significance. Last evaluated: 2024-07-11. Review status: criteria provided, single submitter. Criteria: Athena Diagnostics Criteria. Collection method: clinical testing. Allele origin: unknown.
Comment: Available data are insufficient to determine the clinical significance of the variant at this time. The frequency of this variant in the general population is uninformative in assessment of its pathogenicity. Polyphen and MutationTaster predict this amino acid change may be benign.

Mayo Clinic Laboratories, Mayo Clinic
Classification: Uncertain significance. Last evaluated: 2022-04-28. Review status: criteria provided, single submitter. Criteria: ACMG Guidelines, 2015. Collection method: clinical testing. Allele origin: germline. Observed: 4 variant alleles.

Ambry Genetics
Classification: Uncertain significance for Inborn genetic diseases. Last evaluated: 2021-11-15. Review status: criteria provided, single submitter. Criteria: Ambry Variant Classification Scheme 2023. Collection method: clinical testing. Allele origin: germline.

Illumina Laboratory Services, Illumina
Classification: Uncertain significance for Amyotrophic lateral sclerosis type 4. Last evaluated: 2018-01-13. Review status: criteria provided, single submitter. Criteria: ICSL Variant Classification Criteria 13 December 2019. Collection method: clinical testing. Allele origin: germline.

Illumina Laboratory Services, Illumina
Classification: Uncertain significance for Spinocerebellar ataxia, autosomal recessive, with axonal neuropathy 2. Last evaluated: 2018-01-13. Review status: criteria provided, single submitter. Criteria: ICSL Variant Classification Criteria 13 December 2019. Collection method: clinical testing. Allele origin: germline.

PreventionGenetics, part of Exact Sciences
Classification: Uncertain significance for SETX-related condition. Last evaluated: 2024-04-15. Review status: no assertion criteria provided. Collection method: clinical testing. Allele origin: germline. Not counted in ClinVar's aggregate classification.
Comment: The SETX c.7735G>A variant is predicted to result in the amino acid substitution p.Val2579Ile. To our knowledge, this variant has not been reported in the literature. This variant is reported in 0.012% of alleles in individuals of European (Non-Finnish) descent in gnomAD. At this time, the clinical significance of this variant is uncertain due to the absence of conclusive functional and genetic evidence.